The following is an entry in ClinVar:

NC_000023.10:g.(?_99654182)_(99661939_?)del

Gene: PCDH19 (protocadherin 19; minus strand). Cytogenetic location: Xq22.1.
Variant type: Deletion.
Identifiers: ClinVar variation 3244959 (VCV003244959.1).

ClinVar aggregate classification (germline): Pathogenic (1 of 4 stars; one submission).

Conditions:
Developmental and epileptic encephalopathy, 9 (DEE9). Also called: Early infantile epileptic encephalopathy 9; JUBERG-HELLMAN SYNDROME; EPILEPSY, FEMALE-RESTRICTED, WITH MENTAL RETARDATION; PCDH19-Related X-Linked Female-Limited Epilepsy with Mental Retardation. Identifiers: Orphanet 101039, Orphanet 2076, MedGen C1848137, MONDO:0010246, OMIM 300088. Disease mechanism: loss of function.

Submission:

Labcorp Genetics (formerly Invitae), Labcorp
Classification: Pathogenic for Developmental and epileptic encephalopathy, 9. Last evaluated: 2018-03-21. Review status: criteria provided, single submitter. Criteria: Invitae Variant Classification Sherloc (09022015). Collection method: clinical testing. Allele origin: unknown.
Comment: This variant removes the last 491 nucleotides of exon 1, exons 2-3, and affects the consensus splice site of intron 3 of the PCDH19 gene (c.1657_2616+3340del). This change is expected to create a premature translational stop signal and result in an absent or disrupted protein product. This variant has not been reported in the literature in individuals with PCDH19-related disease. A different deletion of exons 1-3 has been reported in an individual affected with epilepsy and intellectual disability (PMID: 21053371). Loss-of-function variants in PCDH19 are known to be pathogenic (PMID: 21053371). For these reasons, this variant has been classified as Pathogenic.

Literature cited by the submitters: PubMed 21053371.